The following is an entry in ClinVar:

ClinVar aggregate classification (germline): Uncertain significance (1 of 4 stars; one submission).

Conditions:
H syndrome. Also called: FAISALABAD HISTIOCYTOSIS; HISTIOCYTOSIS AND LYMPHADENOPATHY WITH OR WITHOUT CUTANEOUS, CARDIAC, AND/OR ENDOCRINE FEATURES, JOINT CONTRACTURES, AND/OR DEAFNESS; HYPERPIGMENTATION, CUTANEOUS, WITH HYPERTRICHOSIS, HEPATOSPLENOMEGALY, HEART ANOMALIES, AND HYPOGONADISM WITH OR WITHOUT HEARING LOSS; PIGMENTED HYPERTRICHOSIS WITH INSULIN-DEPENDENT DIABETES MELLITUS; ROSAI-DORFMAN DISEASE, FAMILIAL; SINUS HISTIOCYTOSIS AND MASSIVE LYMPHADENOPATHY. Identifiers: Orphanet 168569, MedGen C1864445, MONDO:0011273, OMIM 602782.

Submission:

Labcorp Genetics (formerly Invitae), Labcorp
Classification: Uncertain significance for H syndrome. Last evaluated: 2022-03-19. Review status: criteria provided, single submitter. Criteria: Invitae Variant Classification Sherloc (09022015). Collection method: clinical testing. Allele origin: germline.
Comment: This sequence change replaces leucine, which is neutral and non-polar, with phenylalanine, which is neutral and non-polar, at codon 247 of the SLC29A3 protein (p.Leu247Phe). This variant is not present in population databases (gnomAD no frequency). This variant has not been reported in the literature in individuals affected with SLC29A3-related conditions. Algorithms developed to predict the effect of missense changes on protein structure and function (SIFT, PolyPhen-2, Align-GVGD) all suggest that this variant is likely to be tolerated. In summary, the available evidence is currently insufficient to determine the role of this variant in disease. Therefore, it has been classified as a Variant of Uncertain Significance.

NM_018344.6(SLC29A3):c.739C>T (p.Leu247Phe)

Gene: SLC29A3 (solute carrier family 29 member 3; plus strand). Cytogenetic location: 10q22.1.
Variant type: single nucleotide variant.
Coding change: c.739C>T on transcript NM_018344.6 (MANE Select); coding-DNA position 739, C replaced by T.
Protein change: p.Leu247Phe; replaces leucine 247 with phenylalanine.
Molecular consequence: missense variant. On other transcripts: non-coding transcript variant (2).
Genome position (GRCh38, 1-based): chr10:71,356,209, C>T. VCF-style: chr10-71356209-C-T. GRCh37 (hg19) VCF-style: chr10-73115966-C-T.
Other names: c.739C>T, p.Leu247Phe (NM_001174098.2); c.505C>T, p.Leu169Phe (NM_001363518.2); short protein forms L247F, L169F.
Identifiers: ClinVar variation 1946130 (VCV001946130.5), dbSNP rs1207899993, ClinGen allele CA377111600.